The following is an entry in ClinVar:

NM_020937.4(FANCM):c.3416A>T (p.Asp1139Val)

Gene: FANCM (FA complementation group M; plus strand). Cytogenetic location: 14q21.2.
Variant type: single nucleotide variant.
Coding change: c.3416A>T on transcript NM_020937.4 (MANE Select); coding-DNA position 3416, A replaced by T.
Protein change: p.Asp1139Val; replaces aspartic acid 1139 with valine.
Molecular consequence: missense variant.
Genome position (GRCh38, 1-based): chr14:45,176,170, A>T. VCF-style: chr14-45176170-A-T. GRCh37 (hg19) VCF-style: chr14-45645373-A-T.
Other names: c.3338A>T, p.Asp1113Val (NM_001308133.2); short protein forms D1113V, D1139V.
Identifiers: ClinVar variation 5036648 (VCV005036648.1).

ClinVar aggregate classification (germline): Uncertain significance (1 of 4 stars; one submission).

Conditions:
Inborn genetic diseases. Identifiers: MedGen C0950123, MeSH D030342.

Submission:

Ambry Genetics
Classification: Uncertain significance for Inborn genetic diseases. Last evaluated: 2026-07-26. Review status: criteria provided, single submitter. Criteria: Ambry Variant Classification Scheme 2023. Collection method: clinical testing. Allele origin: germline.
Comment: The p.D1139V variant (also known as c.3416A>T), located in coding exon 14 of the FANCM gene, results from an A to T substitution at nucleotide position 3416. The aspartic acid at codon 1139 is replaced by valine, an amino acid with highly dissimilar properties. This amino acid position is conserved. In addition, this alteration is predicted to be tolerated by in silico analysis. Based on the available evidence, the clinical significance of this variant remains unclear.